The following is an entry in ClinVar:

NM_001277115.2(DNAH11):c.9691A>G (p.Arg3231Gly)

Gene: DNAH11 (dynein axonemal heavy chain 11; plus strand). Cytogenetic location: 7p15.3.
Variant type: single nucleotide variant.
Coding change: c.9691A>G on transcript NM_001277115.2 (MANE Select); coding-DNA position 9691, A replaced by G.
Protein change: p.Arg3231Gly; replaces arginine 3231 with glycine.
Molecular consequence: missense variant.
Genome position (GRCh38, 1-based): chr7:21,786,717, A>G. VCF-style: chr7-21786717-A-G. GRCh37 (hg19) VCF-style: chr7-21826335-A-G.
Other names: c.9712A>G, p.Arg3238Gly (NM_003777.3); short protein forms R3231G, R3238G.
Identifiers: ClinVar variation 2003021 (VCV002003021.4), dbSNP rs1206742171, ClinGen allele CA366940565.

ClinVar aggregate classification (germline): Uncertain significance (1 of 4 stars; one submission).

Conditions:
Primary ciliary dyskinesia. Also called: Ciliary dyskinesia. Identifiers: Orphanet 244, MedGen C0008780, MONDO:0016575, HP:0012265.

Allele frequency attached by ClinVar (database versions not stated): gnomAD exomes below 0.00001.
gnomAD v4.1: 1 of 1,613,916 alleles (0.000062%); highest among the groups gnomAD compares: Non-Finnish European, 0.000085%; no homozygotes.

Submission:

Labcorp Genetics (formerly Invitae), Labcorp
Classification: Uncertain significance for Primary ciliary dyskinesia. Last evaluated: 2022-06-18. Review status: criteria provided, single submitter. Criteria: Invitae Variant Classification Sherloc (09022015). Collection method: clinical testing. Allele origin: germline.
Comment: Advanced modeling of protein sequence and biophysical properties (such as structural, functional, and spatial information, amino acid conservation, physicochemical variation, residue mobility, and thermodynamic stability) performed at Invitae indicates that this missense variant is not expected to disrupt DNAH11 protein function. This sequence change replaces arginine, which is basic and polar, with glycine, which is neutral and non-polar, at codon 3231 of the DNAH11 protein (p.Arg3231Gly). This variant is not present in population databases (gnomAD no frequency). This variant has not been reported in the literature in individuals affected with DNAH11-related conditions. In summary, the available evidence is currently insufficient to determine the role of this variant in disease. Therefore, it has been classified as a Variant of Uncertain Significance.